The following is an entry in ClinVar:

NM_007294.4(BRCA1):c.5217T>G (p.Asp1739Glu)

Gene: BRCA1 (BRCA1 DNA repair associated; minus strand). Cytogenetic location: 17q21.31.
Variant type: single nucleotide variant.
Coding change: c.5217T>G on transcript NM_007294.4 (MANE Select); coding-DNA position 5217, T replaced by G.
Protein change: p.Asp1739Glu; replaces aspartic acid 1739 with glutamic acid.
Molecular consequence: missense variant. On other transcripts: non-coding transcript variant (1).
Genome position (GRCh38, 1-based): chr17:43,057,112, A>C on the plus strand (T>G on the coding strand, the complement: BRCA1 is on the minus strand). VCF-style: chr17-43057112-A-C. GRCh37 (hg19) VCF-style: chr17-41209129-A-C.
Other names: c.1767T>G, p.Asp589Glu (NM_001408454.1, NM_001408455.1, NM_001408456.1 and 3 more transcripts); c.1695T>G, p.Asp565Glu (NM_001408491.1, NM_001408481.1, NM_001408482.1 and 5 more transcripts); c.1692T>G, p.Asp564Glu (NM_001408492.1, NM_001408493.1); c.1668T>G, p.Asp556Glu (NM_001408494.1); c.1662T>G, p.Asp554Glu (NM_001408495.1); c.1644T>G, p.Asp548Glu (NM_001408496.1, NM_001408497.1, NM_001408498.1 and 3 more transcripts); c.5157T>G, p.Asp1719Glu (NM_001407649.1); c.5139T>G, p.Asp1713Glu (NM_001407652.1, NM_001407653.1, NM_001407654.1 and 1 more transcripts); and 72 more; short protein forms D1739E, D1692E, D635E, D1760E, D1442E, D1570E, D1667E, D1691E.
Identifiers: ClinVar variation 55467 (VCV000055467.8), dbSNP rs80357340, ClinGen allele CA003370.
Genomic context (GRCh38, chr17:43,057,112, plus strand): 5'-CTTTCTGTCCTGGGATTCTCTTGCTCGCTTTGGACCTTGGTGGTTTCTTCCATTGACCAC[A>C]TCTCCTCTGACTTCAAAATCATGCTGAAAGAAACCAAACACAACCCATCAGGATAAGAGA-3'
Protein context (NP_009225.1, residues 1729-1749): LNEHDFEVRG[Asp1739Glu]VVNGRNHQGP

ClinVar aggregate classification (germline): Likely pathogenic. Review status: criteria provided, single submitter (1 of 4 stars). 2 submissions from 2 submitters: Likely pathogenic (1). 1 of the submissions does not count toward it. Last evaluated 2021-03-08.

Conditions:
Breast-ovarian cancer, familial, susceptibility to, 1 (BROVCA1). Also called: BRCA1 Hereditary Breast and Ovarian Cancer; OVARIAN CANCER, SUSCEPTIBILITY TO. Identifiers: Orphanet 145, MedGen C2676676, MONDO:0011450, OMIM 604370. Disease mechanism: loss of function.
Hereditary cancer-predisposing syndrome. Also called: Hereditary Cancer Syndrome; Hereditary neoplastic syndrome; Neoplastic Syndromes, Hereditary; Tumor predisposition. Identifiers: Orphanet 140162, MedGen C0027672, MeSH D009386, MONDO:0015356.

Submissions (3):

Ambry Genetics
Classification: Likely pathogenic for Hereditary cancer-predisposing syndrome. Last evaluated: 2021-03-08. Review status: criteria provided, single submitter. Criteria: Ambry Variant Classification Scheme 2023. Collection method: clinical testing. Allele origin: germline.
Comment: The p.D1739E variant (also known as c.5217T>G), located in coding exon 18 of the BRCA1 gene, results from a T to G substitution at nucleotide position 5217. The aspartic acid at codon 1739 is replaced by glutamic acid, an amino acid with highly similar properties. This alteration was reported as non-functional in multiple functional studies (Lee MS et al. Cancer Res, 2010 Jun;70:4880-90; Woods NT et al. NPJ Genom Med, 2016 Mar;1:; Findlay GM et al. Nature, 2018 10;562:217-222; Fernandes VC et al. J Biol Chem, 2019 04;294:5980-5992). Based on internal structural analysis, D1739E is deleterious (Ambry internal data; Hiraike H et al. Br J Cancer, 2010 Mar;102:1061-7). This amino acid position is highly conserved in available vertebrate species. In addition, this alteration is predicted to be deleterious by in silico analysis. This variant was not reported in population-based cohorts in the Genome Aggregation Database (gnomAD). Based on the majority of available evidence to date, this variant is likely to be pathogenic.

Breast Cancer Information Core (BIC) (BRCA1)
Classification: Uncertain significance for Breast-ovarian cancer, familial 1. Last evaluated: 1998-07-10. Review status: no assertion criteria provided. Collection method: clinical testing. Allele origin: germline. Affected: yes. Observed: 1 variant allele. Not counted in ClinVar's aggregate classification.

Brotman Baty Institute, University of Washington
No classification provided (evidence only). Condition: Breast-ovarian cancer, familial 1. Review status: no classification provided. Collection method: in vitro. Allele origin: not applicable. Functional consequence: functionally_abnormal. Not counted in ClinVar's aggregate classification.
ClinVar note: "not provided" was previously submitted as the classification for the variant. However, the classification appeared to be based only on an observation of functional data so it was converted to no classification on 2025-07-30.

Literature cited by the submitters: PubMed 20160719 (cited by Ambry Genetics); PubMed 20516115 (cited by Ambry Genetics); PubMed 28781887 (cited by Ambry Genetics); PubMed 30209399 (cited by Ambry Genetics); PubMed 30765603 (cited by Ambry Genetics).